The following is an entry in ClinVar:

NM_003560.4(PLA2G6):c.2223_2224del (p.Ala742fs)

Gene: PLA2G6 (phospholipase A2 group VI; minus strand). Cytogenetic location: 22q13.1.
Variant type: Deletion.
Coding change: c.2223_2224del on transcript NM_003560.4 (MANE Select); coding-DNA positions 2223 to 2224, 2 bases deleted (GG; older notation c.2223_2224delGG).
Protein change: p.Ala742fs; shifts the reading frame from alanine 742.
Molecular consequence: frameshift variant.
Genome position (GRCh38, 1-based): chr22:38,112,556-38,112,557, CC deleted on the plus strand (GG on the coding strand, the reverse complement: PLA2G6 is on the minus strand); deleting any 2 consecutive bases within chr22:38,112,556-38,112,558 gives the same sequence; the c. name uses the placement nearest the transcript's 3' end. VCF-style (leftmost placement, unchanged base first): chr22-38112555-GCC-G. GRCh37 (hg19) VCF-style: chr22-38508562-GCC-G.
Other names: c.2061_2062del, p.Ala688fs (NM_001004426.3, NM_001199562.3, NM_001349865.2 and 1 more transcripts); c.2223_2224del, p.Ala742fs (NM_001349864.2); c.1689_1690del, p.Ala564fs (NM_001349867.2); c.1545_1546del, p.Ala516fs (NM_001349868.2); c.1527_1528del, p.Ala510fs (NM_001349869.2); short protein forms A564fs, A688fs, A510fs, A742fs, A516fs.
Identifiers: ClinVar variation 2853873 (VCV002853873.3), dbSNP rs2517910411, ClinGen allele CA2739267949.

ClinVar aggregate classification (germline): Pathogenic (1 of 4 stars; one submission).

Conditions:
Infantile neuroaxonal dystrophy (NBIA2A). Also called: NEURODEGENERATION WITH BRAIN IRON ACCUMULATION 2A; SEITELBERGER DISEASE; Infantile neuroaxonal dystrophy 1. Identifiers: Orphanet 35069, MedGen C0270724, MONDO:0024457, OMIM 256600.

Submission:

Labcorp Genetics (formerly Invitae), Labcorp
Classification: Pathogenic for Infantile neuroaxonal dystrophy. Last evaluated: 2023-09-15. Review status: criteria provided, single submitter. Criteria: Invitae Variant Classification Sherloc (09022015). Collection method: clinical testing. Allele origin: germline.
Comment: This sequence change creates a premature translational stop signal (p.Ala742Cysfs*30) in the PLA2G6 gene. While this is not anticipated to result in nonsense mediated decay, it is expected to disrupt the last 65 amino acid(s) of the PLA2G6 protein. This variant is not present in population databases (gnomAD no frequency). This variant has not been reported in the literature in individuals affected with PLA2G6-related conditions. This variant disrupts a region of the PLA2G6 protein in which other variant(s) (p.Gln797*) have been determined to be pathogenic (PMID: 22934738, 27516098; Invitae). This suggests that this is a clinically significant region of the protein, and that variants that disrupt it are likely to be disease-causing. For these reasons, this variant has been classified as Pathogenic.

Literature cited by the submitters: PubMed 22934738; PubMed 27516098.